The following is an entry in ClinVar:

NM_199242.3(UNC13D):c.3001C>T (p.Leu1001Phe)

Gene: UNC13D (unc-13 homolog D; minus strand). Cytogenetic location: 17q25.1.
Variant type: single nucleotide variant.
Coding change: c.3001C>T on transcript NM_199242.3 (MANE Select); coding-DNA position 3001, C replaced by T.
Protein change: p.Leu1001Phe; replaces leucine 1001 with phenylalanine.
Molecular consequence: missense variant.
Genome position (GRCh38, 1-based): chr17:75,828,937, G>A on the plus strand (C>T on the coding strand, the complement: UNC13D is on the minus strand). VCF-style: chr17-75828937-G-A. GRCh37 (hg19) VCF-style: chr17-73825018-G-A.
Other names: short protein forms L1001F.
Identifiers: ClinVar variation 1524820 (VCV001524820.3), dbSNP rs1797449728, ClinGen allele CA401075137.

ClinVar aggregate classification (germline): Uncertain significance (1 of 4 stars; one submission).

Conditions:
Familial hemophagocytic lymphohistiocytosis 3 (FHL3). Also called: UNC13D-Related Familial Hemophagocytic Lymphohistiocytosis (UNC13D-fHLH). Identifiers: Orphanet 540, MedGen C1837174, MONDO:0012146, OMIM 608898.

Allele frequency attached by ClinVar (database versions not stated): gnomAD 0.00001.
gnomAD v4.1: 1 of 1,606,316 alleles (0.000062%); highest among the groups gnomAD compares: Non-Finnish European, 0.000085%; no homozygotes.

Submission:

Labcorp Genetics (formerly Invitae), Labcorp
Classification: Uncertain significance for Familial hemophagocytic lymphohistiocytosis 3. Last evaluated: 2022-09-13. Review status: criteria provided, single submitter. Criteria: Invitae Variant Classification Sherloc (09022015). Collection method: clinical testing. Allele origin: germline.
Comment: This sequence change replaces leucine with phenylalanine at codon 1001 of the UNC13D protein (p.Leu1001Phe). The leucine residue is moderately conserved and there is a small physicochemical difference between leucine and phenylalanine. This variant is not present in population databases (gnomAD no frequency). This variant has not been reported in the literature in individuals affected with UNC13D-related conditions. ClinVar contains an entry for this variant (Variation ID: 1524820). Advanced modeling of protein sequence and biophysical properties (such as structural, functional, and spatial information, amino acid conservation, physicochemical variation, residue mobility, and thermodynamic stability) performed at Invitae indicates that this missense variant is not expected to disrupt UNC13D protein function. In summary, the available evidence is currently insufficient to determine the role of this variant in disease. Therefore, it has been classified as a Variant of Uncertain Significance.